The following is an entry in ClinVar:

NM_145207.3(AFG2A):c.1714+1G>C

Gene: AFG2A (AAA ATPase AFG2A; plus strand). Cytogenetic location: 4q28.1.
Variant type: single nucleotide variant.
Coding change: c.1714+1G>C on transcript NM_145207.3 (MANE Select); the canonical splice donor site of the intron after coding-DNA position 1714, G replaced by C.
Molecular consequence: splice donor variant.
Genome position (GRCh38, 1-based): chr4:122,947,489, G>C. VCF-style: chr4-122947489-G-C. GRCh37 (hg19) VCF-style: chr4-123868644-G-C.
Other names: c.1711+1G>C (NM_001345856.2, NM_001317799.2).
Identifiers: ClinVar variation 1452600 (VCV001452600.5), dbSNP rs149688478, ClinGen allele CA358108614.

ClinVar aggregate classification (germline): Pathogenic (1 of 4 stars; one submission).

Conditions:
Microcephaly-intellectual disability-sensorineural hearing loss-epilepsy-abnormal muscle tone syndrome (NEDHSB). Also called: NEURODEVELOPMENTAL DISORDER WITH HEARING LOSS, SEIZURES, AND BRAIN ABNORMALITIES. Identifiers: Orphanet 457351, MedGen C4225276, MONDO:0014698, OMIM 616577.

Submission:

Labcorp Genetics (formerly Invitae), Labcorp
Classification: Pathogenic for Microcephaly-intellectual disability-sensorineural hearing loss-epilepsy-abnormal muscle tone syndrome. Last evaluated: 2021-07-30. Review status: criteria provided, single submitter. Criteria: Invitae Variant Classification Sherloc (09022015). Collection method: clinical testing. Allele origin: germline.
Comment: This variant is not present in population databases (ExAC no frequency). This sequence change affects a donor splice site in intron 9 of the SPATA5 gene. It is expected to disrupt RNA splicing. Variants that disrupt the donor or acceptor splice site typically lead to a loss of protein function (PMID: 16199547), and loss-of-function variants in SPATA5 are known to be pathogenic (PMID: 26299366). Disruption of this splice site has been observed in individuals with epilepsy, hearing loss, and intellectual disability syndrome (PMID: 26299366, 28293831). For these reasons, this variant has been classified as Pathogenic. Algorithms developed to predict the effect of sequence changes on RNA splicing suggest that this variant may disrupt the consensus splice site.

Literature cited by the submitters: PubMed 16199547; PubMed 26299366; PubMed 28293831.